The following is an entry in ClinVar:

ClinVar aggregate classification (germline): Uncertain significance (1 of 4 stars; one submission).

Conditions:
Cardiovascular phenotype. Identifiers: MedGen CN230736.

Submission:

Ambry Genetics
Classification: Uncertain significance for Cardiovascular phenotype. Last evaluated: 2024-03-22. Review status: criteria provided, single submitter. Criteria: Ambry Variant Classification Scheme 2023. Collection method: clinical testing. Allele origin: germline.
Comment: The p.N1094S variant (also known as c.3281A>G), located in coding exon 26 of the ABCC9 gene, results from an A to G substitution at nucleotide position 3281. The asparagine at codon 1094 is replaced by serine, an amino acid with highly similar properties. This amino acid position is highly conserved in available vertebrate species. In addition, the in silico prediction for this alteration is inconclusive. Based on the available evidence, the clinical significance of this alteration remains unclear.

NM_020297.4(ABCC9):c.3281A>G (p.Asn1094Ser)

Gene: ABCC9 (ATP binding cassette subfamily C member 9; minus strand). Cytogenetic location: 12p12.1.
Variant type: single nucleotide variant.
Coding change: c.3281A>G on transcript NM_020297.4 (MANE Select); coding-DNA position 3281, A replaced by G.
Protein change: p.Asn1094Ser; replaces asparagine 1094 with serine.
Molecular consequence: missense variant.
Genome position (GRCh38, 1-based): chr12:21,844,517, T>C on the plus strand (A>G on the coding strand, the complement: ABCC9 is on the minus strand). VCF-style: chr12-21844517-T-C. GRCh37 (hg19) VCF-style: chr12-21997451-T-C.
Other names: c.3281A>G, p.Asn1094Ser (NM_001377273.1, NM_005691.4); c.2414A>G, p.Asn805Ser (NM_001377274.1); short protein forms N805S, N1094S.
Identifiers: ClinVar variation 3304752 (VCV003304752.1).
Genomic context (GRCh38, chr12:21,844,517, plus strand): 5'-AACTTGGAAGTAACCCAGTTACTCACCTGATCAATGATATTAGTATCAGCTGAAAAGCGA[T>C]TGAGAATCAGTCCCAGGGGTGTGGTATCAAAAAACCTAGGCAATAAACAGATGGAAGTAT-3'
Protein context (NP_064693.2, residues 1084-1104): FDTTPLGLIL[Asn1094Ser]RFSADTNIID